The following is an entry in ClinVar:

ClinVar aggregate classification (germline): Uncertain significance (1 of 4 stars; one submission).

Submission:

Labcorp Genetics (formerly Invitae), Labcorp
Classification: Uncertain significance. Last evaluated: 2025-02-03. Review status: criteria provided, single submitter. Criteria: Invitae Variant Classification Sherloc (09022015). Collection method: clinical testing. Allele origin: germline.
Comment: This sequence change replaces glutamic acid, which is acidic and polar, with aspartic acid, which is acidic and polar, at codon 89 of the RNF113A protein (p.Glu89Asp). This variant is not present in population databases (gnomAD no frequency). This variant has not been reported in the literature in individuals affected with RNF113A-related conditions. Invitae Evidence Modeling of protein sequence and biophysical properties (such as structural, functional, and spatial information, amino acid conservation, physicochemical variation, residue mobility, and thermodynamic stability) indicates that this missense variant is not expected to disrupt RNF113A protein function with a negative predictive value of 80%. In summary, the available evidence is currently insufficient to determine the role of this variant in disease. Therefore, it has been classified as a Variant of Uncertain Significance.

NM_006978.3(RNF113A):c.267G>C (p.Glu89Asp)

Gene: RNF113A (ring finger protein 113A; minus strand). Cytogenetic location: Xq24.
Variant type: single nucleotide variant.
Coding change: c.267G>C on transcript NM_006978.3 (MANE Select); coding-DNA position 267, G replaced by C.
Protein change: p.Glu89Asp; replaces glutamic acid 89 with aspartic acid.
Molecular consequence: missense variant.
Genome position (GRCh38, 1-based): chrX:119,871,347, C>G on the plus strand (G>C on the coding strand, the complement: RNF113A is on the minus strand). VCF-style: chrX-119871347-C-G. GRCh37 (hg19) VCF-style: chrX-119005310-C-G.
Other names: short protein forms E89D.
Identifiers: ClinVar variation 4742400 (VCV004742400.1).
Genomic context (GRCh38, chrX:119,871,347, plus strand): 5'-CACGGGTTTCGCCGAACGGGTGGATTTATAAACCACGCCGAGACTCTCGGGCTCATTTTC[C>G]TCTTCCTCTTCGCTGCTCAAGTCGCCGTAAGCCGCCTTCTGTTTACCACTGTCACGGGTC-3'
Protein context (NP_008909.1, residues 79-99): AYGDLSSEEE[Glu89Asp]ENEPESLGVV